The following is an entry in ClinVar:

NM_001367721.1(CASK):c.2604+5G>A

Gene: CASK (calcium/calmodulin dependent serine protein kinase; minus strand). Cytogenetic location: Xp11.4.
Variant type: single nucleotide variant.
Coding change: c.2604+5G>A on transcript NM_001367721.1 (MANE Select); 5 bases into the intron after coding-DNA position 2604, G replaced by A.
Molecular consequence: intron variant.
Genome position (GRCh38, 1-based): chrX:41,523,946, C>T on the plus strand (G>A on the coding strand, the complement: CASK is on the minus strand). VCF-style: chrX-41523946-C-T. GRCh37 (hg19) VCF-style: chrX-41383199-C-T.
Other names: c.2517+5G>A (NM_001126055.3); c.2586+5G>A (NM_001410745.1); c.2520+5G>A (NM_001126054.3); c.2589+5G>A (NM_003688.4).
Identifiers: ClinVar variation 933930 (VCV000933930.10), dbSNP rs2064673944, ClinGen allele CA1139667441.

ClinVar aggregate classification (germline): Uncertain significance (1 of 4 stars; one submission).

Conditions:
Intellectual disability, CASK-related, X-linked. Identifiers: MedGen CN043158.

Submission:

Labcorp Genetics (formerly Invitae), Labcorp
Classification: Uncertain significance for Intellectual disability, CASK-related, X-linked. Last evaluated: 2019-10-08. Review status: criteria provided, single submitter. Criteria: Invitae Variant Classification Sherloc (09022015). Collection method: clinical testing. Allele origin: germline.
Comment: This sequence change falls in intron 26 of the CASK gene. It does not directly change the encoded amino acid sequence of the CASK protein, but it affects a nucleotide within the consensus splice site of the intron. This variant is not present in population databases (ExAC no frequency). This variant has been observed to segregate with clinical features of CASK-related conditions in a family (Invitae). Nucleotide substitutions within the consensus splice site are a relatively common cause of aberrant splicing (PMID: 17576681, 9536098). Algorithms developed to predict the effect of sequence changes on RNA splicing suggest that this variant may disrupt the consensus splice site, but this prediction has not been confirmed by published transcriptional studies. In summary, the available evidence is currently insufficient to determine the role of this variant in disease. Therefore, it has been classified as a Variant of Uncertain Significance.

Literature cited by the submitters: PubMed 17576681; PubMed 9536098.